The following is an entry in ClinVar:

NM_001206744.2(TPO):c.1312C>T (p.Arg438Cys)

Gene: TPO (thyroid peroxidase; plus strand). Cytogenetic location: 2p25.3.
Variant type: single nucleotide variant.
Coding change: c.1312C>T on transcript NM_001206744.2 (MANE Select); coding-DNA position 1312, C replaced by T.
Protein change: p.Arg438Cys; replaces arginine 438 with cysteine.
Molecular consequence: missense variant. On other transcripts: intron variant (1).
Genome position (GRCh38, 1-based): chr2:1,477,578, C>T. VCF-style: chr2-1477578-C-T. GRCh37 (hg19) VCF-style: chr2-1481350-C-T.
Other names: c.1312C>T, p.Arg438Cys (NM_000547.6, NM_001206745.2, NM_175719.4 and 1 more transcripts); c.820-7018C>T (NM_175722.3); short protein forms R438C.
Identifiers: ClinVar variation 1028336 (VCV001028336.1), dbSNP rs768830989, ClinGen allele CA1511694.

ClinVar aggregate classification (germline): Uncertain significance (1 of 4 stars; one submission).

Conditions:
Deficiency of iodide peroxidase (TDH2A). Also called: HYPOTHYROIDISM, CONGENITAL, DUE TO DYSHORMONOGENESIS, 2A; IODIDE PEROXIDASE DEFICIENCY; THYROID HORMONOGENESIS, GENETIC DEFECT IN, 2A; THYROID PEROXIDASE DEFICIENCY; Thyroid dyshormonogenesis 2A. Identifiers: Orphanet 95716, MedGen C1291299, MONDO:0010133, OMIM 274500.

Allele frequency attached by ClinVar (database versions not stated): ExAC below 0.00001; gnomAD exomes 0.00001; gnomAD 0.00002; TOPMed 0.00004.
gnomAD v4.1: 40 of 1,536,938 alleles (0.0026%); highest among the groups gnomAD compares: Non-Finnish European, 0.0032%; no homozygotes.

Submission:

Baylor Genetics
Classification: Uncertain significance for Deficiency of iodide peroxidase. Last evaluated: 2020-01-10. Review status: criteria provided, single submitter. Criteria: ACMG Guidelines, 2015. Collection method: clinical testing. Allele origin: unknown. Affected: yes.
Comment: This variant was determined to be of uncertain significance according to ACMG Guidelines, 2015 [PMID:25741868].